The following is an entry in ClinVar:

ClinVar aggregate classification (germline): Uncertain significance (1 of 4 stars; one submission).

Conditions:
Hereditary cancer-predisposing syndrome. Also called: Neoplastic Syndromes, Hereditary; Tumor predisposition; Hereditary Cancer Syndrome; Hereditary neoplastic syndrome. Identifiers: Orphanet 140162, MedGen C0027672, MeSH D009386, MONDO:0015356.

Submission:

Ambry Genetics
Classification: Uncertain significance for Hereditary cancer-predisposing syndrome. Last evaluated: 2021-09-09. Review status: criteria provided, single submitter. Criteria: Ambry Variant Classification Scheme 2023. Collection method: clinical testing. Allele origin: germline.
Comment: The p.H1088N variant (also known as c.3262C>A), located in coding exon 19 of the BRIP1 gene, results from a C to A substitution at nucleotide position 3262. The histidine at codon 1088 is replaced by asparagine, an amino acid with similar properties. This amino acid position is conserved. In addition, this alteration is predicted to be tolerated by in silico analysis. Since supporting evidence is limited at this time, the clinical significance of this alteration remains unclear.

NM_032043.3(BRIP1):c.3262C>A (p.His1088Asn)

Gene: BRIP1 (BRCA1 interacting DNA helicase 1; minus strand). Cytogenetic location: 17q23.2.
Variant type: single nucleotide variant.
Coding change: c.3262C>A on transcript NM_032043.3 (MANE Select); coding-DNA position 3262, C replaced by A.
Protein change: p.His1088Asn; replaces histidine 1088 with asparagine.
Molecular consequence: missense variant.
Genome position (GRCh38, 1-based): chr17:61,683,784, G>T on the plus strand (C>A on the coding strand, the complement: BRIP1 is on the minus strand). VCF-style: chr17-61683784-G-T. GRCh37 (hg19) VCF-style: chr17-59761145-G-T.
Other names: short protein forms H1088N.
Identifiers: ClinVar variation 1729544 (VCV001729544.2), dbSNP rs878855154, ClinGen allele CA400479104.